The following is an entry in ClinVar:

NM_001854.4(COL11A1):c.1998+4T>A

Gene: COL11A1 (collagen type XI alpha 1 chain; minus strand). Cytogenetic location: 1p21.1.
Variant type: single nucleotide variant.
Coding change: c.1998+4T>A on transcript NM_001854.4 (MANE Select); 4 bases into the intron after coding-DNA position 1998, T replaced by A.
Molecular consequence: intron variant.
Genome position (GRCh38, 1-based): chr1:103,003,211, A>T on the plus strand (T>A on the coding strand, the complement: COL11A1 is on the minus strand). VCF-style: chr1-103003211-A-T. GRCh37 (hg19) VCF-style: chr1-103468767-A-T.
Other names: p.?; c.1881+4T>A (NM_001190709.2); c.2034+4T>A (NM_080629.3); c.1650+4T>A (NM_080630.4).
Identifiers: ClinVar variation 258440 (VCV000258440.25), dbSNP rs12136577, ClinGen allele CA974712.

ClinVar aggregate classification (germline): Benign. Review status: criteria provided, multiple submitters, no conflicts (2 of 4 stars). 15 submissions from 11 submitters: Benign (13). 2 of the submissions do not count toward it. Last evaluated 2026-05-08.

Conditions:
Hearing loss, autosomal dominant 37. Also called: DEAFNESS, AUTOSOMAL DOMINANT 37. Identifiers: MedGen C4760307, MONDO:0032802, OMIM 618533.
Fibrochondrogenesis 1 (FBCG1). Identifiers: Orphanet 2021, MedGen C3278138, MONDO:0009226, OMIM 228520.
Marshall syndrome (MRSHS). Identifiers: Orphanet 560, MedGen C0265235, MONDO:0007949, OMIM 154780.
Stickler syndrome type 2 (STL2). Also called: STICKLER SYNDROME, BEADED VITREOUS TYPE; STICKLER SYNDROME, VITREOUS TYPE 2; STICKLER SYNDROME, TYPE II; COL11A1-Related Stickler Syndrome. Identifiers: Orphanet 828, Orphanet 90654, MedGen C1858084, MONDO:0011493, OMIM 604841.

Allele frequency attached by ClinVar (database versions not stated): 1000 Genomes Project 30x 0.07245; 1000 Genomes Project 0.07268; TOPMed 0.10303; ESP Exome Variant Server 0.10603; gnomAD 0.10745 and 0.10860; ExAC 0.12290; gnomAD exomes 0.12299.
gnomAD v4.1: 209,226 of 1,612,950 alleles (13%); highest among the groups gnomAD compares: Admixed American, 17%; 14,793 homozygotes.

Submissions (15):

Women's Health and Genetics/Laboratory Corporation of America, LabCorp
Classification: Benign. Last evaluated: 2026-05-08. Review status: criteria provided, single submitter. Criteria: LabCorp Variant Classification Summary - May 2015. Collection method: clinical testing. Allele origin: germline.

Labcorp Genetics (formerly Invitae), Labcorp
Classification: Benign. Last evaluated: 2026-02-04. Review status: criteria provided, single submitter. Criteria: Invitae Variant Classification Sherloc (09022015). Collection method: clinical testing. Allele origin: germline.

Blueprint Genetics
Classification: Benign. Last evaluated: 2024-11-26. Review status: criteria provided, single submitter. Criteria: ACMG Guidelines, 2015. Collection method: clinical testing. Allele origin: germline.

Genome-Nilou Lab
Classification: Benign for Hearing loss, autosomal dominant 37. Last evaluated: 2021-07-22. Review status: criteria provided, single submitter. Criteria: ACMG Guidelines, 2015. Collection method: clinical testing. Allele origin: germline. Affected: no.

Genome-Nilou Lab
Classification: Benign for Fibrochondrogenesis 1. Last evaluated: 2021-07-22. Review status: criteria provided, single submitter. Criteria: ACMG Guidelines, 2015. Collection method: clinical testing. Allele origin: germline. Affected: no.

Genome-Nilou Lab
Classification: Benign for Marshall syndrome. Last evaluated: 2021-07-22. Review status: criteria provided, single submitter. Criteria: ACMG Guidelines, 2015. Collection method: clinical testing. Allele origin: germline. Affected: no.

Genome-Nilou Lab
Classification: Benign for Stickler syndrome type 2. Last evaluated: 2021-07-22. Review status: criteria provided, single submitter. Criteria: ACMG Guidelines, 2015. Collection method: clinical testing. Allele origin: germline. Affected: no.

Mayo Clinic Laboratories, Mayo Clinic
Classification: Benign. Last evaluated: 2020-12-07. Review status: criteria provided, single submitter. Criteria: ACMG Guidelines, 2015. Collection method: clinical testing. Allele origin: germline. Observed: 34 variant alleles.

Illumina Laboratory Services, Illumina
Classification: Benign for Stickler syndrome type 2. Last evaluated: 2018-01-13. Review status: criteria provided, single submitter. Criteria: ICSL Variant Classification Criteria 13 December 2019. Collection method: clinical testing. Allele origin: germline.
Comment: This variant was observed in the ICSL laboratory as part of a predisposition screen in an ostensibly healthy population. It had not been previously curated by ICSL or reported in the Human Gene Mutation Database (HGMD: prior to June 1st, 2018), and was therefore a candidate for classification through an automated scoring system. Utilizing variant allele frequency, disease prevalence and penetrance estimates, and inheritance mode, an automated score was calculated to assess if this variant is too frequent to cause the disease. Based on the score and internal cut-off values, a variant classified as benign is not then subjected to further curation. The score for this variant resulted in a classification of benign for this disease.

Illumina Laboratory Services, Illumina
Classification: Benign for Fibrochondrogenesis 1. Last evaluated: 2018-01-13. Review status: criteria provided, single submitter. Criteria: ICSL Variant Classification Criteria 13 December 2019. Collection method: clinical testing. Allele origin: germline.
Comment: the same text as in the submission from Illumina Laboratory Services, Illumina above.

GeneDx
Classification: Benign. Last evaluated: 2016-10-04. Review status: criteria provided, single submitter. Criteria: GeneDx Variant Classification (06012015). Collection method: clinical testing. Allele origin: germline. Affected: yes.
Comment: This variant is considered likely benign or benign based on one or more of the following criteria: it is a conservative change, it occurs at a poorly conserved position in the protein, it is predicted to be benign by multiple in silico algorithms, and/or has population frequency not consistent with disease.

Breakthrough Genomics
Classification: Benign. Review status: criteria provided, single submitter. Criteria: ACMG Guidelines, 2015. Collection method: not provided. Allele origin: germline. Inheritance: Autosomal recessive inheritance. Affected: yes.

PreventionGenetics, part of Exact Sciences
Classification: Benign. Review status: criteria provided, single submitter. Criteria: ACMG Guidelines, 2015. Collection method: clinical testing. Allele origin: germline.

Genome Diagnostics Laboratory, Amsterdam University Medical Center
Classification: Benign. Review status: no assertion criteria provided. Collection method: clinical testing. Allele origin: germline. Affected: yes. Study: VKGL Data-share Consensus. Not counted in ClinVar's aggregate classification.

Joint Genome Diagnostic Labs from Nijmegen and Maastricht, Radboudumc and MUMC+
Classification: Benign. Review status: no assertion criteria provided. Collection method: clinical testing. Allele origin: germline. Affected: yes. Study: VKGL Data-share Consensus. Not counted in ClinVar's aggregate classification.